The following is an entry in ClinVar:

ClinVar aggregate classification (germline): Uncertain significance. Review status: criteria provided, multiple submitters, no conflicts (2 of 4 stars). 2 submissions from 2 submitters: Uncertain significance (2). Last evaluated 2025-08-07.

Allele frequency attached by ClinVar (database versions not stated): gnomAD exomes 0.00001 and 0.00007; gnomAD 0.00004; TOPMed 0.00004.
gnomAD v4.1: 22 of 1,485,600 alleles (0.0015%); highest among the groups gnomAD compares: Admixed American, 0.032%; no homozygotes.

Submissions (2):

Ambry Genetics
Classification: Uncertain significance. Last evaluated: 2025-08-07. Review status: criteria provided, single submitter. Criteria: Ambry Variant Classification Scheme 2023. Collection method: clinical testing. Allele origin: germline.

GeneDx
Classification: Uncertain significance. Last evaluated: 2020-01-20. Review status: criteria provided, single submitter. Criteria: GeneDx Variant Classification Process June 2021. Collection method: clinical testing. Allele origin: germline. Affected: yes.
Comment: In silico analysis, which includes protein predictors and evolutionary conservation, supports that this variant does not alter protein structure/function; Has not been previously published as pathogenic or benign to our knowledge

NM_017410.3(HOXC13):c.260C>T (p.Ala87Val)

Genes: HOXC13 (homeobox C13; plus strand), HOXC13-AS (HOXC13 antisense RNA; minus strand). Cytogenetic location: 12q13.13.
Variant type: single nucleotide variant.
Coding change: c.260C>T on transcript NM_017410.3 (MANE Select); coding-DNA position 260, C replaced by T.
Protein change: p.Ala87Val; replaces alanine 87 with valine.
Molecular consequence: missense variant.
Genome position (GRCh38, 1-based): chr12:53,939,166, C>T. VCF-style: chr12-53939166-C-T. GRCh37 (hg19) VCF-style: chr12-54332950-C-T.
Other names: short protein forms A87V.
Identifiers: ClinVar variation 1311926 (VCV001311926.3), dbSNP rs904926695, ClinGen allele CA237424540.